The following is an entry in ClinVar:

NM_053025.4(MYLK):c.5438A>C (p.Lys1813Thr)

Genes: MYLK (myosin light chain kinase; minus strand), MYLK-AS1 (MYLK antisense RNA 1; plus strand). Cytogenetic location: 3q21.1.
Variant type: single nucleotide variant.
Coding change: c.5438A>C on transcript NM_053025.4 (MANE Select); coding-DNA position 5438, A replaced by C.
Protein change: p.Lys1813Thr; replaces lysine 1813 with threonine.
Molecular consequence: missense variant.
Genome position (GRCh38, 1-based): chr3:123,618,701, T>G on the plus strand (A>C on the coding strand, the complement: MYLK is on the minus strand). VCF-style: chr3-123618701-T-G. GRCh37 (hg19) VCF-style: chr3-123337548-T-G.
Other names: c.4910A>C, p.Lys1637Thr (NM_001321309.2); c.5231A>C, p.Lys1744Thr (NM_053026.4); c.5285A>C, p.Lys1762Thr (NM_053027.4); c.5078A>C, p.Lys1693Thr (NM_053028.4); c.155A>C, p.Lys52Thr (NM_053031.4); c.158A>C, p.Lys53Thr (NM_053032.4); c.5438A>C (NM_053025.3); short protein forms K1693T, K52T, K53T, K1637T, K1813T, K1744T, K1762T.
Identifiers: ClinVar variation 1438731 (VCV001438731.4), dbSNP rs762029282, ClinGen allele CA072968.

ClinVar aggregate classification (germline): Uncertain significance. Review status: criteria provided, multiple submitters, no conflicts (2 of 4 stars). 2 submissions from 2 submitters: Uncertain significance (2). Last evaluated 2024-10-07.

Conditions:
Aortic aneurysm, familial thoracic 7 (AAT7). Also called: AORTIC DISSECTION, FAMILIAL, WITH OR WITHOUT AORTIC ANEURYSM. Identifiers: MedGen C3151077, MONDO:0013418, OMIM 613780.
Familial thoracic aortic aneurysm and aortic dissection (TAAD). Also called: Thoracic aortic aneurysms and dissections. Identifiers: Orphanet 91387, MedGen C4707243, MONDO:0019625.

Allele frequency attached by ClinVar (database versions not stated): gnomAD exomes below 0.00001 and 0.00001; ExAC 0.00001.
gnomAD v4.1: 4 of 1,614,146 alleles (0.00025%); highest among the groups gnomAD compares: Non-Finnish European, 0.00034%; no homozygotes.

Submissions (2):

Ambry Genetics
Classification: Uncertain significance for Familial thoracic aortic aneurysm and aortic dissection. Last evaluated: 2024-10-07. Review status: criteria provided, single submitter. Criteria: Ambry Variant Classification Scheme 2023. Collection method: clinical testing. Allele origin: germline.
Comment: The p.K1813T variant (also known as c.5438A>C), located in coding exon 30 of the MYLK gene, results from an A to C substitution at nucleotide position 5438. The lysine at codon 1813 is replaced by threonine, an amino acid with similar properties. This amino acid position is conserved. In addition, the in silico prediction for this alteration is inconclusive. Based on the available evidence, the clinical significance of this variant remains unclear.

Labcorp Genetics (formerly Invitae), Labcorp
Classification: Uncertain significance for Aortic aneurysm, familial thoracic 7. Last evaluated: 2021-11-30. Review status: criteria provided, single submitter. Criteria: Invitae Variant Classification Sherloc (09022015). Collection method: clinical testing. Allele origin: germline.
Comment: This sequence change replaces lysine, which is basic and polar, with threonine, which is neutral and polar, at codon 1813 of the MYLK protein (p.Lys1813Thr). This variant is present in population databases (rs762029282, gnomAD 0.007%). This variant has not been reported in the literature in individuals affected with MYLK-related conditions. Advanced modeling of protein sequence and biophysical properties (such as structural, functional, and spatial information, amino acid conservation, physicochemical variation, residue mobility, and thermodynamic stability) performed at Invitae indicates that this missense variant is not expected to disrupt MYLK protein function. In summary, the available evidence is currently insufficient to determine the role of this variant in disease. Therefore, it has been classified as a Variant of Uncertain Significance.